The following is an entry in ClinVar:

NM_005529.7(HSPG2):c.6164T>C (p.Ile2055Thr)

Gene: HSPG2 (heparan sulfate proteoglycan 2; minus strand). Cytogenetic location: 1p36.12.
Variant type: single nucleotide variant.
Coding change: c.6164T>C on transcript NM_005529.7 (MANE Select); coding-DNA position 6164, T replaced by C.
Protein change: p.Ile2055Thr; replaces isoleucine 2055 with threonine.
Molecular consequence: missense variant.
Genome position (GRCh38, 1-based): chr1:21,854,735, A>G on the plus strand (T>C on the coding strand, the complement: HSPG2 is on the minus strand). VCF-style: chr1-21854735-A-G. GRCh37 (hg19) VCF-style: chr1-22181228-A-G.
Other names: c.6167T>C, p.Ile2056Thr (NM_001291860.2); short protein forms I2056T, I2055T.
Identifiers: ClinVar variation 2002519 (VCV002002519.4), dbSNP rs1378611086, ClinGen allele CA338934319.
Genomic context (GRCh38, chr1:21,854,735, plus strand): 5'-GCCACCACACAGTTGAGGTCGAGTGTTTGCCCTTCTGTCACAGAAGGCGATGAGGACTCA[A>G]TCTTGACCGGCGGTGGGCTGGCATCTGAGGCTGGGGCCAGAGTAGGGGTCAGCAGGCCCC-3'
Protein context (NP_005520.4, residues 2045-2065): ASDASPPPVK[Ile2055Thr]ESSSPSVTEG

ClinVar aggregate classification (germline): Uncertain significance (1 of 4 stars; one submission).

Allele frequency attached by ClinVar (database versions not stated): TOPMed below 0.00001; gnomAD 0.00001.
gnomAD v4.1: 1 of 1,613,620 alleles (0.000062%); highest among the groups gnomAD compares: Non-Finnish European, 0.000085%; no homozygotes.

Submission:

Labcorp Genetics (formerly Invitae), Labcorp
Classification: Uncertain significance. Last evaluated: 2022-06-05. Review status: criteria provided, single submitter. Criteria: Invitae Variant Classification Sherloc (09022015). Collection method: clinical testing. Allele origin: germline.
Comment: This sequence change replaces isoleucine, which is neutral and non-polar, with threonine, which is neutral and polar, at codon 2055 of the HSPG2 protein (p.Ile2055Thr). This variant is not present in population databases (gnomAD no frequency). This variant has not been reported in the literature in individuals affected with HSPG2-related conditions. Algorithms developed to predict the effect of missense changes on protein structure and function are either unavailable or do not agree on the potential impact of this missense change (SIFT: "Deleterious"; PolyPhen-2: "Possibly Damaging"; Align-GVGD: "Class C0"). In summary, the available evidence is currently insufficient to determine the role of this variant in disease. Therefore, it has been classified as a Variant of Uncertain Significance.